The following is an entry in ClinVar:

ClinVar aggregate classification (germline): Uncertain significance (1 of 4 stars; one submission).

Conditions:
Hereditary cancer-predisposing syndrome. Also called: Hereditary Cancer Syndrome; Hereditary neoplastic syndrome; Tumor predisposition; Neoplastic Syndromes, Hereditary. Identifiers: Orphanet 140162, MedGen C0027672, MeSH D009386, MONDO:0015356.

Submission:

Ambry Genetics
Classification: Uncertain significance for Hereditary cancer-predisposing syndrome. Last evaluated: 2025-05-19. Review status: criteria provided, single submitter. Criteria: Ambry Variant Classification Scheme 2023. Collection method: clinical testing. Allele origin: germline.
Comment: The p.V8M variant (also known as c.22G>A), located in coding exon 1 of the GREM1 gene, results from a G to A substitution at nucleotide position 22. The valine at codon 8 is replaced by methionine, an amino acid with highly similar properties. This amino acid position is conserved. In addition, this alteration is predicted to be tolerated by in silico analysis. Since supporting evidence is limited at this time, the clinical significance of this alteration remains unclear.

NM_013372.7(GREM1):c.22G>A (p.Val8Met)

Gene: GREM1 (gremlin 1, DAN family BMP antagonist; plus strand). Cytogenetic location: 15q13.3.
Variant type: single nucleotide variant.
Coding change: c.22G>A on transcript NM_013372.7 (MANE Select); coding-DNA position 22, G replaced by A.
Protein change: p.Val8Met; replaces valine 8 with methionine.
Molecular consequence: missense variant.
Genome position (GRCh38, 1-based): chr15:32,730,712, G>A. VCF-style: chr15-32730712-G-A. GRCh37 (hg19) VCF-style: chr15-33022913-G-A.
Other names: c.22G>A, p.Val8Met (NM_001191322.2, NM_001191323.2, NM_001368719.1); short protein forms V8M.
Identifiers: ClinVar variation 1789264 (VCV001789264.4), dbSNP rs1435968313, ClinGen allele CA391557022.